The following is an entry in ClinVar:

NM_005458.8(GABBR2):c.400G>A (p.Val134Ile)

Gene: GABBR2 (gamma-aminobutyric acid type B receptor subunit 2; minus strand). Cytogenetic location: 9q22.33.
Variant type: single nucleotide variant.
Coding change: c.400G>A on transcript NM_005458.8 (MANE Select); coding-DNA position 400, G replaced by A.
Protein change: p.Val134Ile; replaces valine 134 with isoleucine.
Molecular consequence: missense variant.
Genome position (GRCh38, 1-based): chr9:98,577,994, C>T on the plus strand (G>A on the coding strand, the complement: GABBR2 is on the minus strand). VCF-style: chr9-98577994-C-T. GRCh37 (hg19) VCF-style: chr9-101340276-C-T.
Other names: short protein forms V134I.
Identifiers: ClinVar variation 568793 (VCV000568793.10), dbSNP rs764365066, ClinGen allele CA5153001.

ClinVar aggregate classification (germline): Conflicting classifications of pathogenicity. Review status: criteria provided, conflicting classifications (1 of 4 stars). 2 submissions from 2 submitters: Uncertain significance (1); Likely benign (1). Last evaluated 2025-12-18.

Conditions:
Epileptic encephalopathy. Identifiers: MedGen C0543888, HP:0200134.
Inborn genetic diseases. Identifiers: MedGen C0950123, MeSH D030342.

Allele frequency attached by ClinVar (database versions not stated): ExAC 0.00002; gnomAD 0.00003; TOPMed 0.00003.
gnomAD v4.1: 46 of 1,613,864 alleles (0.0029%); highest among the groups gnomAD compares: East Asian, 0.011%; no homozygotes.

Submissions (2):

Labcorp Genetics (formerly Invitae), Labcorp
Classification: Uncertain significance for Epileptic encephalopathy. Last evaluated: 2025-12-18. Review status: criteria provided, single submitter. Criteria: Invitae Variant Classification Sherloc (09022015). Collection method: clinical testing. Allele origin: germline.
Comment: This sequence change replaces valine, which is neutral and non-polar, with isoleucine, which is neutral and non-polar, at codon 134 of the GABBR2 protein (p.Val134Ile). This variant is present in population databases (rs764365066, gnomAD 0.007%). This variant has not been reported in the literature in individuals affected with GABBR2-related conditions. ClinVar contains an entry for this variant (Variation ID: 568793). An algorithm developed to predict the effect of missense changes on protein structure and function (PolyPhen-2) suggests that this variant is likely to be disruptive. In summary, the available evidence is currently insufficient to determine the role of this variant in disease. Therefore, it has been classified as a Variant of Uncertain Significance.

Ambry Genetics
Classification: Likely benign for Inborn genetic diseases. Last evaluated: 2023-10-05. Review status: criteria provided, single submitter. Criteria: Ambry Variant Classification Scheme 2023. Collection method: clinical testing. Allele origin: germline.